The following is an entry in ClinVar:

NM_006017.3(PROM1):c.714A>G (p.Gly238=)

Gene: PROM1 (prominin 1; minus strand). Cytogenetic location: 4p15.32.
Variant type: single nucleotide variant.
Coding change: c.714A>G on transcript NM_006017.3 (MANE Select); coding-DNA position 714, A replaced by G.
Protein change: p.Gly238=; no amino-acid change (glycine 238 retained).
Molecular consequence: synonymous variant.
Genome position (GRCh38, 1-based): chr4:16,023,396, T>C on the plus strand (A>G on the coding strand, the complement: PROM1 is on the minus strand). VCF-style: chr4-16023396-T-C. GRCh37 (hg19) VCF-style: chr4-16025019-T-C.
Other names: c.687A>G, p.Gly229= (NM_001145847.2, NM_001145848.2, NM_001145851.2 and 4 more transcripts); c.714A>G, p.Gly238= (NM_001145849.2, NM_001145850.2).
Identifiers: ClinVar variation 717840 (VCV000717840.23), dbSNP rs201662148, ClinGen allele CA2866977.

ClinVar aggregate classification (germline): Conflicting classifications of pathogenicity. Review status: criteria provided, conflicting classifications (1 of 4 stars). 8 submissions from 5 submitters: Uncertain significance (2); Benign (2); Likely benign (3). 1 of the submissions does not count toward it. Last evaluated 2026-01-27.

Conditions:
PROM1-related disorder. Also called: PROM1-related disorders; PROM1-related condition.
Retinitis pigmentosa (RP). Identifiers: Orphanet 791, MedGen C0035334, MeSH D012174, MONDO:0019200, OMIM 268000. Inheritance: Autosomal dominant, autosomal recessive and X linked inheritance.
Stargardt disease 4 (STGD4). Identifiers: Orphanet 827, MedGen C1863534, MONDO:0011370, OMIM 603786.
Retinal macular dystrophy type 2 (MCDR2). Also called: Bull's eye macular dystrophy. Identifiers: Orphanet 319640, MedGen C4749334, MONDO:0011957, OMIM 608051.
Cone-rod dystrophy 12 (CORD12). Identifiers: Orphanet 1872, MedGen C2675210, MONDO:0012983, OMIM 612657.

Allele frequency attached by ClinVar (database versions not stated): gnomAD exomes 0.00009 and 0.00021; ExAC 0.00033; 1000 Genomes Project 30x 0.00047; 1000 Genomes Project 0.00060; ESP Exome Variant Server 0.00072; gnomAD 0.00079 and 0.00088; TOPMed 0.00107.
gnomAD v4.1: 247 of 1,603,448 alleles (0.015%); highest among the groups gnomAD compares: African/African-American, 0.3%; no homozygotes.

Submissions (8):

Labcorp Genetics (formerly Invitae), Labcorp
Classification: Benign. Last evaluated: 2026-01-27. Review status: criteria provided, single submitter. Criteria: Invitae Variant Classification Sherloc (09022015). Collection method: clinical testing. Allele origin: germline.

Blueprint Genetics
Classification: Likely benign. Last evaluated: 2024-01-09. Review status: criteria provided, single submitter. Criteria: ACMG Guidelines, 2015. Collection method: clinical testing. Allele origin: germline.

ARUP Laboratories, Molecular Genetics and Genomics, ARUP Laboratories
Classification: Likely benign. Last evaluated: 2018-09-14. Review status: criteria provided, single submitter. Criteria: ARUP Molecular Germline Variant Investigation Process. Collection method: clinical testing. Allele origin: germline.

Illumina Laboratory Services, Illumina
Classification: Benign for Cone-rod dystrophy 12. Last evaluated: 2018-01-13. Review status: criteria provided, single submitter. Criteria: ICSL Variant Classification Criteria 13 December 2019. Collection method: clinical testing. Allele origin: germline.
Comment: This variant was observed in the ICSL laboratory as part of a predisposition screen in an ostensibly healthy population. It had not been previously curated by ICSL or reported in the Human Gene Mutation Database (HGMD: prior to June 1st, 2018), and was therefore a candidate for classification through an automated scoring system. Utilizing variant allele frequency, disease prevalence and penetrance estimates, and inheritance mode, an automated score was calculated to assess if this variant is too frequent to cause the disease. Based on the score and internal cut-off values, a variant classified as benign is not then subjected to further curation. The score for this variant resulted in a classification of benign for this disease.

Illumina Laboratory Services, Illumina
Classification: Likely benign for Stargardt disease 4. Last evaluated: 2018-01-13. Review status: criteria provided, single submitter. Criteria: ICSL Variant Classification Criteria 13 December 2019. Collection method: clinical testing. Allele origin: germline.
Comment: This variant was observed in the ICSL laboratory as part of a predisposition screen in an ostensibly healthy population. It had not been previously curated by ICSL or reported in the Human Gene Mutation Database (HGMD: prior to June 1st, 2018), and was therefore a candidate for classification through an automated scoring system. Utilizing variant allele frequency, disease prevalence and penetrance estimates, and inheritance mode, an automated score was calculated to assess if this variant is too frequent to cause the disease. Based on the score and internal cut-off values, a variant classified as likely benign is not then subjected to further curation. The score for this variant resulted in a classification of likely benign for this disease.

Illumina Laboratory Services, Illumina
Classification: Uncertain significance for Retinitis pigmentosa. Last evaluated: 2018-01-13. Review status: criteria provided, single submitter. Criteria: ICSL Variant Classification Criteria 13 December 2019. Collection method: clinical testing. Allele origin: germline.

Illumina Laboratory Services, Illumina
Classification: Uncertain significance for Retinal macular dystrophy type 2. Last evaluated: 2018-01-13. Review status: criteria provided, single submitter. Criteria: ICSL Variant Classification Criteria 13 December 2019. Collection method: clinical testing. Allele origin: germline.

PreventionGenetics, part of Exact Sciences
Classification: Likely benign for PROM1-related condition. Last evaluated: 2024-04-22. Review status: no assertion criteria provided. Collection method: clinical testing. Allele origin: germline. Not counted in ClinVar's aggregate classification.
Comment: This variant is classified as likely benign based on ACMG/AMP sequence variant interpretation guidelines (Richards et al. 2015 PMID: 25741868, with internal and published modifications).